The following is an entry in ClinVar:

NM_000718.4(CACNA1B):c.4212C>T (p.Pro1404=)

Gene: CACNA1B (calcium voltage-gated channel subunit alpha1 B; plus strand). Cytogenetic location: 9q34.3.
Variant type: single nucleotide variant.
Coding change: c.4212C>T on transcript NM_000718.4 (MANE Select); coding-DNA position 4212, C replaced by T.
Protein change: p.Pro1404=; no amino-acid change (proline 1404 retained).
Molecular consequence: synonymous variant.
Genome position (GRCh38, 1-based): chr9:138,058,154, C>T. VCF-style: chr9-138058154-C-T. GRCh37 (hg19) VCF-style: chr9-140952606-C-T.
Other names: c.4212C>T, p.Pro1404= (NM_001243812.2).
Identifiers: ClinVar variation 1175077 (VCV001175077.42), dbSNP rs74849357, ClinGen allele CA5376933.

ClinVar aggregate classification (germline): Likely benign. Review status: criteria provided, multiple submitters, no conflicts (2 of 4 stars). 6 submissions from 6 submitters: Likely benign (4). 2 of the submissions do not count toward it. Last evaluated 2026-03-01.

Allele frequency attached by ClinVar (database versions not stated): ESP Exome Variant Server 0.00063; 1000 Genomes Project 30x 0.00078; 1000 Genomes Project 0.00080.
gnomAD v4.1: 1,611 of 1,613,924 alleles (0.1%); highest among the groups gnomAD compares: Non-Finnish European, 0.13%; 3 homozygotes.

Submissions (6):

CeGaT Center for Human Genetics Tuebingen
Classification: Likely benign. Last evaluated: 2026-03-01. Review status: criteria provided, single submitter. Criteria: CeGaT Center For Human Genetics Tuebingen Variant Classification Criteria Version 2. Collection method: clinical testing. Allele origin: germline. Affected: yes. Observed: 12 variant alleles.
Comment: CACNA1B: BP4, BP7

Labcorp Genetics (formerly Invitae), Labcorp
Classification: Likely benign. Last evaluated: 2026-01-28. Review status: criteria provided, single submitter. Criteria: Invitae Variant Classification Sherloc (09022015). Collection method: clinical testing. Allele origin: germline.

Blueprint Genetics
Classification: Likely benign. Last evaluated: 2024-11-21. Review status: criteria provided, single submitter. Criteria: ACMG Guidelines, 2015. Collection method: clinical testing. Allele origin: germline.

Breakthrough Genomics
Classification: Likely benign. Review status: criteria provided, single submitter. Criteria: ACMG Guidelines, 2015. Collection method: not provided. Allele origin: germline. Inheritance: Autosomal recessive inheritance. Affected: yes.

Clinical Genetics DNA and cytogenetics Diagnostics Lab, Erasmus MC, Erasmus Medical Center
Classification: Likely benign. Review status: no assertion criteria provided. Collection method: clinical testing. Allele origin: germline. Affected: yes. Study: VKGL Data-share Consensus. Not counted in ClinVar's aggregate classification.

Diagnostic Laboratory, Department of Genetics, University Medical Center Groningen
Classification: Likely benign. Review status: no assertion criteria provided. Collection method: clinical testing. Allele origin: germline. Affected: yes. Study: VKGL Data-share Consensus. Not counted in ClinVar's aggregate classification.